The following is an entry in ClinVar:

ClinVar aggregate classification (germline): Likely pathogenic (1 of 4 stars; one submission).

Conditions:
Autosomal dominant non-syndromic intellectual disability. Identifiers: Orphanet 178469, MedGen C5680502, MONDO:0015802.

Submission:

Department of Human Genetics, University Hospital Bern, Inselspital
Classification: Likely pathogenic for Autosomal dominant non-syndromic intellectual disability. Last evaluated: 2026-03-23. Review status: criteria provided, single submitter. Criteria: ACMG Guidelines, 2015. Collection method: clinical testing. Allele origin: de novo. Affected: yes.
Comment: The missense variant affects a highly conserved amino acid in the important dimerization domain and is predicted to have a damaging effect by AlphaMissense and REVEL. Functional assays showed that it impairs dimerization and causes a loss-of-function. In summary, criteria PS3, PS2_Supporting, PM2_Supporting, and PP3 were used.

NM_001113407.3(LDB1):c.577C>T (p.Arg193Trp)

Gene: LDB1 (LIM domain binding 1; minus strand). Cytogenetic location: 10q24.32.
Variant type: single nucleotide variant.
Coding change: c.577C>T on transcript NM_001113407.3 (MANE Select); coding-DNA position 577, C replaced by T.
Protein change: p.Arg193Trp; replaces arginine 193 with tryptophan.
Molecular consequence: missense variant.
Genome position (GRCh38, 1-based): chr10:102,109,992, G>A on the plus strand (C>T on the coding strand, the complement: LDB1 is on the minus strand). VCF-style: chr10-102109992-G-A. GRCh37 (hg19) VCF-style: chr10-103869749-G-A.
Other names: c.577C>T, p.Arg193Trp (NM_001321612.2); c.469C>T, p.Arg157Trp (NM_003893.5); short protein forms R157W, R193W.
Identifiers: ClinVar variation 4818738 (VCV004818738.1).